The following is an entry in ClinVar:

NM_145059.3(FCSK):c.1069-10G>A

Gene: FCSK (fucose kinase; plus strand). Cytogenetic location: 16q22.1.
Variant type: single nucleotide variant.
Coding change: c.1069-10G>A on transcript NM_145059.3 (MANE Select); 10 bases into the intron before coding-DNA position 1069, G replaced by A.
Molecular consequence: intron variant.
Genome position (GRCh38, 1-based): chr16:70,470,961, G>A. VCF-style: chr16-70470961-G-A. GRCh37 (hg19) VCF-style: chr16-70504864-G-A.
Identifiers: ClinVar variation 3647528 (VCV003647528.2).

ClinVar aggregate classification (germline): Uncertain significance (1 of 4 stars; one submission).

gnomAD v4.1: 42 of 1,570,056 alleles (0.0027%); highest among the groups gnomAD compares: Admixed American, 0.063%; 1 homozygote.

Submission:

Labcorp Genetics (formerly Invitae), Labcorp
Classification: Uncertain significance. Last evaluated: 2024-06-03. Review status: criteria provided, single submitter. Criteria: Invitae Variant Classification Sherloc (09022015). Collection method: clinical testing. Allele origin: germline.
Comment: This sequence change falls in intron 11 of the FUK gene. It does not directly change the encoded amino acid sequence of the FUK protein. This variant is present in population databases (rs193067969, gnomAD 0.04%). This variant has not been reported in the literature in individuals affected with FUK-related conditions. Algorithms developed to predict the effect of sequence changes on RNA splicing suggest that this variant may disrupt the consensus splice site. In summary, the available evidence is currently insufficient to determine the role of this variant in disease. Therefore, it has been classified as a Variant of Uncertain Significance.